The following is an entry in ClinVar:

NM_000235.4(LIPA):c.170A>G (p.Asp57Gly)

Gene: LIPA (lipase A, lysosomal acid type; minus strand). Cytogenetic location: 10q23.31.
Variant type: single nucleotide variant.
Coding change: c.170A>G on transcript NM_000235.4 (MANE Select); coding-DNA position 170, A replaced by G.
Protein change: p.Asp57Gly; replaces aspartic acid 57 with glycine.
Molecular consequence: missense variant. On other transcripts: intron variant (1).
Genome position (GRCh38, 1-based): chr10:89,245,735, T>C on the plus strand (A>G on the coding strand, the complement: LIPA is on the minus strand). VCF-style: chr10-89245735-T-C. GRCh37 (hg19) VCF-style: chr10-91005492-T-C.
Other names: c.170A>G, p.Asp57Gly (NM_001127605.3); c.-120+6002A>G (NM_001288979.2); short protein forms D57G.
Identifiers: ClinVar variation 695064 (VCV000695064.5), dbSNP rs768411839, ClinGen allele CA5593794.

ClinVar aggregate classification (germline): Conflicting classifications of pathogenicity. Review status: criteria provided, conflicting classifications (1 of 4 stars). 4 submissions from 4 submitters: Likely pathogenic (2); Uncertain significance (2). Last evaluated 2025-12-11.

Conditions:
Wolman disease (WOLD). Also called: LAL DEFICIENCY, COMPLETE; CHOLESTEROL ESTER HYDROLASE DEFICIENCY, COMPLETE; Wolman disease with hypolipoproteinemia and acanthocytosis; Wolman disease, CESD; Infantile-Onset LAL-D (Wolman Disease); LYSOSOMAL ACID LIPASE DEFICIENCY, ACUTE INFANTILE. Identifiers: Orphanet 75233, MedGen C0043208, MONDO:0019148, OMIM 620151.
Lysosomal acid lipase deficiency. Also called: Acid cholesteryl ester hydrolase deficiency, type 2. Identifiers: Orphanet 275761, MedGen C5574740, MONDO:0800449, MONDO:0010204.

Allele frequency attached by ClinVar (database versions not stated): gnomAD exomes below 0.00001; ExAC 0.00001.
gnomAD v4.1: 5 of 1,606,828 alleles (0.00031%); highest among the groups gnomAD compares: Non-Finnish European, 0.00034%; no homozygotes.

Submissions (4):

Labcorp Genetics (formerly Invitae), Labcorp
Classification: Uncertain significance for Wolman disease. Last evaluated: 2025-12-11. Review status: criteria provided, single submitter. Criteria: Invitae Variant Classification Sherloc (09022015). Collection method: clinical testing. Allele origin: germline.
Comment: This sequence change replaces aspartic acid, which is acidic and polar, with glycine, which is neutral and non-polar, at codon 57 of the LIPA protein (p.Asp57Gly). This variant is present in population databases (rs768411839, gnomAD 0.0009%). This missense change has been observed in individual(s) with lysosomal acid lipase (PMID: 31180157). ClinVar contains an entry for this variant (Variation ID: 695064). Invitae Evidence Modeling of protein sequence and biophysical properties (such as structural, functional, and spatial information, amino acid conservation, physicochemical variation, residue mobility, and thermodynamic stability) indicates that this missense variant is expected to disrupt LIPA protein function with a positive predictive value of 95%. Experimental studies have shown that this missense change affects LIPA function (PMID: 31180157). In summary, the available evidence is currently insufficient to determine the role of this variant in disease. Therefore, it has been classified as a Variant of Uncertain Significance.

Myriad Genetics, Inc.
Classification: Uncertain significance for Lysosomal acid lipase deficiency. Last evaluated: 2025-08-05. Review status: criteria provided, single submitter. Criteria: Myriad Autosomal Dominant, Autosomal Recessive and X-Linked Classification Criteria (2023). Collection method: clinical testing. Allele origin: unknown.
Comment: NM_000235.2(LIPA):c.170A>G(D57G) is a missense variant classified as a variant of uncertain significance in the context of lysosomal acid lipase deficiency. D57G has been observed in a case with relevant disease (PMID: 31180157). Relevant functional assessments of this variant are available in the literature (PMID: 31180157). D57G has been observed in referenced population frequency databases. In summary, there is insufficient evidence to classify NM_000235.2(LIPA):c.170A>G(D57G) as pathogenic or benign. Please note: this variant was assessed in the context of healthy population screening.

Women's Health and Genetics/Laboratory Corporation of America, LabCorp
Classification: Likely pathogenic for Wolman disease. Last evaluated: 2024-10-15. Review status: criteria provided, single submitter. Criteria: LabCorp Variant Classification Summary - May 2015. Collection method: clinical testing. Allele origin: germline.
Comment: Variant summary: LIPA c.170A>G (p.Asp57Gly) results in a non-conservative amino acid change in the encoded protein sequence. Five of five in-silico tools predict a damaging effect of the variant on protein function. The variant allele was found at a frequency of 4e-06 in 251364 control chromosomes (gnomAD). c.170A>G has been reported in the literature in at least an individual affected with Lysosomal Acid Lipase Deficiency (example: Del Angel_2019, Almeida_2022). At least one publication reports experimental evidence evaluating an impact on protein function. The most pronounced variant effect results in <10% of normal activity (Del Angel_2019). The following publications have been ascertained in the context of this evaluation (PMID: 35614200, 31180157). ClinVar contains an entry for this variant (Variation ID: 695064). Based on the evidence outlined above, the variant was classified as likely pathogenic.

Alexion, Astrazeneca Rare Disease, Astrazeneca
Classification: Likely pathogenic for Lysosomal acid lipase deficiency. Last evaluated: 2019-06-01. Review status: criteria provided, single submitter. Criteria: ACMG Guidelines, 2015. Collection method: research. Allele origin: germline.
Comment: ACMG PS3 criterion ascertained by in-vitro functional study, PMID:31180157

Literature cited by the submitters: PubMed 31180157 (cited by 4 submitters); PubMed 35614200 (cited by Women's Health and Genetics/Laboratory Corporation of America, LabCorp).